The following is an entry in ClinVar:

ClinVar aggregate classification (germline): Uncertain significance (1 of 4 stars; one submission).

Conditions:
Spastic paraplegia. Identifiers: MedGen C0037772, HP:0001258.

Allele frequency attached by ClinVar (database versions not stated): gnomAD 0.00001.
gnomAD v4.1: 1 of 1,208,548 alleles (0.000083%); highest among the groups gnomAD compares: Admixed American, 0.0022%; no homozygotes.

Submission:

Labcorp Genetics (formerly Invitae), Labcorp
Classification: Uncertain significance for Spastic paraplegia. Last evaluated: 2023-02-19. Review status: criteria provided, single submitter. Criteria: Invitae Variant Classification Sherloc (09022015). Collection method: clinical testing. Allele origin: germline.
Comment: In summary, the available evidence is currently insufficient to determine the role of this variant in disease. Therefore, it has been classified as a Variant of Uncertain Significance. Advanced modeling of protein sequence and biophysical properties (such as structural, functional, and spatial information, amino acid conservation, physicochemical variation, residue mobility, and thermodynamic stability) performed at Invitae indicates that this missense variant is not expected to disrupt L1CAM protein function. This variant has not been reported in the literature in individuals affected with L1CAM-related conditions. This variant is not present in population databases (gnomAD no frequency). This sequence change replaces asparagine, which is neutral and polar, with serine, which is neutral and polar, at codon 671 of the L1CAM protein (p.Asn671Ser).

NM_001278116.2(L1CAM):c.2012A>G (p.Asn671Ser)

Gene: L1CAM (L1 cell adhesion molecule; minus strand). Cytogenetic location: Xq28.
Variant type: single nucleotide variant.
Coding change: c.2012A>G on transcript NM_001278116.2 (MANE Select); coding-DNA position 2012, A replaced by G.
Protein change: p.Asn671Ser; replaces asparagine 671 with serine.
Molecular consequence: missense variant.
Genome position (GRCh38, 1-based): chrX:153,867,481, T>C on the plus strand (A>G on the coding strand, the complement: L1CAM is on the minus strand). VCF-style: chrX-153867481-T-C. GRCh37 (hg19) VCF-style: chrX-153132936-T-C.
Other names: c.2012A>G, p.Asn671Ser (NM_000425.5, NM_024003.3); c.1997A>G, p.Asn666Ser (NM_001143963.2); short protein forms N666S, N671S.
Identifiers: ClinVar variation 2838998 (VCV002838998.3), dbSNP rs2064724839, ClinGen allele CA415121991.